The following is an entry in ClinVar:

ClinVar aggregate classification (germline): Uncertain significance (1 of 4 stars; one submission).

gnomAD v4.1: 1 of 1,570,322 alleles (0.000064%); highest among the groups gnomAD compares: Non-Finnish European, 0.000086%; no homozygotes.

Submission:

Labcorp Genetics (formerly Invitae), Labcorp
Classification: Uncertain significance. Last evaluated: 2024-02-17. Review status: criteria provided, single submitter. Criteria: Invitae Variant Classification Sherloc (09022015). Collection method: clinical testing. Allele origin: germline.
Comment: This sequence change replaces glutamic acid, which is acidic and polar, with lysine, which is basic and polar, at codon 28 of the EDNRB protein (p.Glu28Lys). This variant is not present in population databases (gnomAD no frequency). This variant has not been reported in the literature in individuals affected with EDNRB-related conditions. ClinVar contains an entry for this variant (Variation ID: 1962602). Algorithms developed to predict the effect of missense changes on protein structure and function output the following: SIFT: "Not Available"; PolyPhen-2: "Benign"; Align-GVGD: "Not Available". The lysine amino acid residue is found in multiple mammalian species, which suggests that this missense change does not adversely affect protein function. In summary, the available evidence is currently insufficient to determine the role of this variant in disease. Therefore, it has been classified as a Variant of Uncertain Significance.

NM_001122659.3(EDNRB):c.82G>A (p.Glu28Lys)

Gene: EDNRB (endothelin receptor type B; minus strand). Cytogenetic location: 13q22.3.
Variant type: single nucleotide variant.
Coding change: c.82G>A on transcript NM_001122659.3 (MANE Select); coding-DNA position 82, G replaced by A.
Protein change: p.Glu28Lys; replaces glutamic acid 28 with lysine.
Molecular consequence: missense variant.
Genome position (GRCh38, 1-based): chr13:77,918,492, C>T on the plus strand (G>A on the coding strand, the complement: EDNRB is on the minus strand). VCF-style: chr13-77918492-C-T. GRCh37 (hg19) VCF-style: chr13-78492627-C-T.
Other names: c.82G>A, p.Glu28Lys (NM_000115.5, NM_003991.4); c.352G>A, p.Glu118Lys (NM_001201397.2); short protein forms E118K, E28K.
Identifiers: ClinVar variation 1962602 (VCV001962602.5), dbSNP rs1879934925, ClinGen allele CA388453080.